The following is an entry in ClinVar:

NM_013275.6(ANKRD11):c.6835G>C (p.Val2279Leu)

Gene: ANKRD11 (ankyrin repeat domain 11; minus strand). Cytogenetic location: 16q24.3.
Variant type: single nucleotide variant.
Coding change: c.6835G>C on transcript NM_013275.6 (MANE Select); coding-DNA position 6835, G replaced by C.
Protein change: p.Val2279Leu; replaces valine 2279 with leucine.
Molecular consequence: missense variant.
Genome position (GRCh38, 1-based): chr16:89,279,707, C>G on the plus strand (G>C on the coding strand, the complement: ANKRD11 is on the minus strand). VCF-style: chr16-89279707-C-G. GRCh37 (hg19) VCF-style: chr16-89346115-C-G.
Other names: c.6835G>C, p.Val2279Leu (NM_001256182.2, NM_001256183.2); short protein forms V2279L.
Identifiers: ClinVar variation 2443478 (VCV002443478.3), dbSNP rs1372842572, ClinGen allele CA397149880.

ClinVar aggregate classification (germline): Uncertain significance. Review status: criteria provided, multiple submitters, no conflicts (2 of 4 stars). 2 submissions from 2 submitters: Uncertain significance (2). Last evaluated 2026-05-12.

gnomAD v4.1: 2 of 1,520,040 alleles (0.00013%); highest among the groups gnomAD compares: Admixed American, 0.002%; no homozygotes.

Submissions (2):

Women's Health and Genetics/Laboratory Corporation of America, LabCorp
Classification: Uncertain significance. Last evaluated: 2026-05-12. Review status: criteria provided, single submitter. Criteria: LabCorp Variant Classification Summary - May 2015. Collection method: clinical testing. Allele origin: germline.

GeneDx
Classification: Uncertain significance. Last evaluated: 2023-04-25. Review status: criteria provided, single submitter. Criteria: GeneDx Variant Classification Process June 2021. Collection method: clinical testing. Allele origin: germline. Affected: yes.
Comment: Not observed at significant frequency in large population cohorts (gnomAD); In silico analysis supports that this missense variant does not alter protein structure/function; Has not been previously published as pathogenic or benign to our knowledge